The following is an entry in ClinVar:

ClinVar aggregate classification (germline): Likely pathogenic (1 of 4 stars; one submission).

Allele frequency attached by ClinVar (database versions not stated): gnomAD exomes below 0.00001.
gnomAD v4.1: 1 of 1,614,128 alleles (0.000062%); highest among the groups gnomAD compares: Non-Finnish European, 0.000085%; no homozygotes.

Submission:

Labcorp Genetics (formerly Invitae), Labcorp
Classification: Likely pathogenic. Last evaluated: 2022-03-20. Review status: criteria provided, single submitter. Criteria: Invitae Variant Classification Sherloc (09022015). Collection method: clinical testing. Allele origin: germline.
Comment: This variant has not been reported in the literature in individuals affected with USH1C-related conditions. In summary, the currently available evidence indicates that the variant is pathogenic, but additional data are needed to prove that conclusively. Therefore, this variant has been classified as Likely Pathogenic. Algorithms developed to predict the effect of sequence changes on RNA splicing suggest that this variant may disrupt the consensus splice site. This variant is not present in population databases (gnomAD no frequency). This sequence change affects a donor splice site in intron 14 of the USH1C gene. It is expected to disrupt RNA splicing. Variants that disrupt the donor or acceptor splice site typically lead to a loss of protein function (PMID: 16199547), and loss-of-function variants in USH1C are known to be pathogenic (PMID: 10973247, 17407589, 20301442, 21203349).

Literature cited by the submitters: PubMed 16199547; PubMed 10973247; PubMed 17407589; PubMed 20301442; PubMed 21203349.

NM_153676.4(USH1C):c.1210+2T>C

Gene: USH1C (USH1 protein network component harmonin; minus strand). Cytogenetic location: 11p15.1.
Variant type: single nucleotide variant.
Coding change: c.1210+2T>C on transcript NM_153676.4 (MANE Select); the canonical splice donor site of the intron after coding-DNA position 1210, T replaced by C.
Molecular consequence: splice donor variant.
Genome position (GRCh38, 1-based): chr11:17,520,868, A>G on the plus strand (T>C on the coding strand, the complement: USH1C is on the minus strand). VCF-style: chr11-17520868-A-G. GRCh37 (hg19) VCF-style: chr11-17542415-A-G.
Other names: c.1153+2T>C (NM_001297764.2); c.1210+2T>C (NM_005709.4).
Identifiers: ClinVar variation 1501942 (VCV001501942.6), dbSNP rs2133867701, ClinGen allele CA379784011.